The following is an entry in ClinVar:

NM_020631.6(PLEKHG5):c.2915C>T (p.Pro972Leu)

Gene: PLEKHG5 (pleckstrin homology and RhoGEF domain containing G5; minus strand). Cytogenetic location: 1p36.31.
Variant type: single nucleotide variant.
Coding change: c.2915C>T on transcript NM_020631.6 (MANE Select); coding-DNA position 2915, C replaced by T.
Protein change: p.Pro972Leu; replaces proline 972 with leucine.
Molecular consequence: missense variant. On other transcripts: intron variant (1).
Genome position (GRCh38, 1-based): chr1:6,467,921, G>A on the plus strand (C>T on the coding strand, the complement: PLEKHG5 is on the minus strand). VCF-style: chr1-6467921-G-A. GRCh37 (hg19) VCF-style: chr1-6527981-G-A.
Other names: c.3026C>T, p.Pro1009Leu (NM_001042663.3, NM_001265592.2); c.2915C>T, p.Pro972Leu (NM_001042664.2, NM_001042665.2, NM_198681.4); c.3122C>T, p.Pro1041Leu (NM_001265593.2); c.2738-23C>T (NM_001265594.3); short protein forms P1009L, P1041L, P972L.
Identifiers: ClinVar variation 1002241 (VCV001002241.17), dbSNP rs777368688, ClinGen allele CA338113991.

ClinVar aggregate classification (germline): Uncertain significance. Review status: criteria provided, multiple submitters, no conflicts (2 of 4 stars). 2 submissions from 2 submitters: Uncertain significance (2). Last evaluated 2023-08-28.

Conditions:
Charcot-Marie-Tooth disease recessive intermediate C. Also called: CHARCOT-MARIE-TOOTH NEUROPATHY, RECESSIVE INTERMEDIATE C. Identifiers: Orphanet 369867, MedGen C3809309, MONDO:0014154, OMIM 615376.
Neuronopathy, distal hereditary motor, autosomal recessive 4. Also called: NEUROPATHY, DISTAL HEREDITARY MOTOR, AUTOSOMAL RECESSIVE 4; Autosomal recessive lower motor neuron disease with childhood onset. Identifiers: Orphanet 206580, MedGen C1970211, MONDO:0012608, OMIM 611067.
Inborn genetic diseases. Identifiers: MedGen C0950123, MeSH D030342.

gnomAD v4.1: 3 of 1,595,014 alleles (0.00019%); highest among the groups gnomAD compares: Middle Eastern, 0.036%; no homozygotes.

Submissions (2):

Ambry Genetics
Classification: Uncertain significance for Inborn genetic diseases. Last evaluated: 2023-08-28. Review status: criteria provided, single submitter. Criteria: Ambry Variant Classification Scheme 2023. Collection method: clinical testing. Allele origin: germline.

Labcorp Genetics (formerly Invitae), Labcorp
Classification: Uncertain significance for Neuronopathy, distal hereditary motor, autosomal recessive 4; Charcot-Marie-Tooth disease recessive intermediate C. Last evaluated: 2020-01-01. Review status: criteria provided, single submitter. Criteria: Invitae Variant Classification Sherloc (09022015). Collection method: clinical testing. Allele origin: germline.
Comment: Algorithms developed to predict the effect of missense changes on protein structure and function are either unavailable or do not agree on the potential impact of this missense change (SIFT: "Deleterious"; PolyPhen-2: "Benign"; Align-GVGD: "Class C15"). This variant has not been reported in the literature in individuals with PLEKHG5-related conditions. This variant is not present in population databases (ExAC no frequency). This sequence change replaces proline with leucine at codon 972 of the PLEKHG5 protein (p.Pro972Leu). The proline residue is highly conserved and there is a moderate physicochemical difference between proline and leucine. In summary, the available evidence is currently insufficient to determine the role of this variant in disease. Therefore, it has been classified as a Variant of Uncertain Significance.